The following is an entry in ClinVar:

ClinVar aggregate classification (germline): Uncertain significance (1 of 4 stars; one submission).

Submission:

CeGaT Center for Human Genetics Tuebingen
Classification: Uncertain significance. Last evaluated: 2025-02-01. Review status: criteria provided, single submitter. Criteria: CeGaT Center For Human Genetics Tuebingen Variant Classification Criteria Version 2. Collection method: clinical testing. Allele origin: germline. Affected: yes. Observed: 1 variant allele.
Comment: MAP1B: PM2, BP4

NM_005909.5(MAP1B):c.5918G>A (p.Ser1973Asn)

Gene: MAP1B (microtubule associated protein 1B; plus strand). Cytogenetic location: 5q13.2.
Variant type: single nucleotide variant.
Coding change: c.5918G>A on transcript NM_005909.5 (MANE Select); coding-DNA position 5918, G replaced by A.
Protein change: p.Ser1973Asn; replaces serine 1973 with asparagine.
Molecular consequence: missense variant.
Genome position (GRCh38, 1-based): chr5:72,199,273, G>A. VCF-style: chr5-72199273-G-A. GRCh37 (hg19) VCF-style: chr5-71495100-G-A.
Other names: c.5540G>A, p.Ser1847Asn (NM_001324255.2); short protein forms S1847N, S1973N.
Identifiers: ClinVar variation 3771286 (VCV003771286.13).